The following is an entry in ClinVar:

ClinVar aggregate classification (germline): Uncertain significance (1 of 4 stars; one submission).

Conditions:
Pure or complex autosomal recessive spastic paraplegia. Identifiers: Orphanet 320346, MedGen C5679887, MONDO:0017915.

Allele frequency attached by ClinVar (database versions not stated): ExAC 0.00001; gnomAD exomes 0.00001; ESP Exome Variant Server 0.00008.
gnomAD v4.1: 3 of 1,614,102 alleles (0.00019%); highest among the groups gnomAD compares: East Asian, 0.0022%; no homozygotes.

Submission:

Labcorp Genetics (formerly Invitae), Labcorp
Classification: Uncertain significance for Pure or complex autosomal recessive spastic paraplegia. Last evaluated: 2023-04-05. Review status: criteria provided, single submitter. Criteria: Invitae Variant Classification Sherloc (09022015). Collection method: clinical testing. Allele origin: germline.
Comment: This sequence change replaces leucine, which is neutral and non-polar, with proline, which is neutral and non-polar, at codon 988 of the ZFR protein (p.Leu988Pro). This variant is present in population databases (rs367948960, gnomAD 0.006%). This variant has not been reported in the literature in individuals affected with ZFR-related conditions. Experimental studies and prediction algorithms are not available or were not evaluated, and the functional significance of this variant is currently unknown. In summary, the available evidence is currently insufficient to determine the role of this variant in disease. Therefore, it has been classified as a Variant of Uncertain Significance.

NM_016107.5(ZFR):c.2963T>C (p.Leu988Pro)

Gene: ZFR (zinc finger RNA binding protein; minus strand). Cytogenetic location: 5p13.3.
Variant type: single nucleotide variant.
Coding change: c.2963T>C on transcript NM_016107.5 (MANE Select); coding-DNA position 2963, T replaced by C.
Protein change: p.Leu988Pro; replaces leucine 988 with proline.
Molecular consequence: missense variant. On other transcripts: non-coding transcript variant (1).
Genome position (GRCh38, 1-based): chr5:32,364,030, A>G on the plus strand (T>C on the coding strand, the complement: ZFR is on the minus strand). VCF-style: chr5-32364030-A-G. GRCh37 (hg19) VCF-style: chr5-32364136-A-G.
Other names: short protein forms L988P.
Identifiers: ClinVar variation 2743741 (VCV002743741.3), dbSNP rs367948960, ClinGen allele CA3221461.
Genomic context (GRCh38, chr5:32,364,030, plus strand): 5'-TCACGCTGCTGGTCAGTCATTGTTGCCAAGGTATCAAAGGGATCCTTTTCACAAGGATCC[A>G]GAAGTCCAGGACTACCTACAGCAATCACCACAGGGAGAGGAAATTATTAGCATTGTCCAC-3'
Protein context (NP_057191.2, residues 978-998): GIILKGSPGL[Leu988Pro]DPCEKDPFDT